The following is an entry in ClinVar:

ClinVar aggregate classification (germline): Uncertain significance (1 of 4 stars; one submission).

Conditions:
Norman-Roberts syndrome (LIS2). Also called: Lissencephaly 2 (Norman-Roberts type). Identifiers: Orphanet 89844, MedGen C0796089, MONDO:0009760, OMIM 257320.
Familial temporal lobe epilepsy 7. Identifiers: Orphanet 101046, MedGen C4225327, MONDO:0014639, OMIM 616436.

gnomAD v4.1: 1 of 1,614,192 alleles (0.000062%); highest among the groups gnomAD compares: Non-Finnish European, 0.000085%; no homozygotes.

Submission:

Labcorp Genetics (formerly Invitae), Labcorp
Classification: Uncertain significance for Familial temporal lobe epilepsy 7; Norman-Roberts syndrome. Last evaluated: 2024-01-11. Review status: criteria provided, single submitter. Criteria: Invitae Variant Classification Sherloc (09022015). Collection method: clinical testing. Allele origin: germline.
Comment: This sequence change replaces valine, which is neutral and non-polar, with glutamic acid, which is acidic and polar, at codon 3032 of the RELN protein (p.Val3032Glu). This variant is not present in population databases (gnomAD no frequency). This variant has not been reported in the literature in individuals affected with RELN-related conditions. Advanced modeling of protein sequence and biophysical properties (such as structural, functional, and spatial information, amino acid conservation, physicochemical variation, residue mobility, and thermodynamic stability) performed at Invitae indicates that this missense variant is not expected to disrupt RELN protein function with a negative predictive value of 80%. In summary, the available evidence is currently insufficient to determine the role of this variant in disease. Therefore, it has been classified as a Variant of Uncertain Significance.

NM_005045.4(RELN):c.9095T>A (p.Val3032Glu)

Genes: SLC26A5-AS1 (SLC26A5 antisense RNA 1; plus strand), RELN (reelin; minus strand). Cytogenetic location: 7q22.1.
Variant type: single nucleotide variant.
Coding change: c.9095T>A on transcript NM_005045.4 (MANE Select); coding-DNA position 9095, T replaced by A.
Protein change: p.Val3032Glu; replaces valine 3032 with glutamic acid.
Molecular consequence: missense variant.
Genome position (GRCh38, 1-based): chr7:103,496,624, A>T on the plus strand (T>A on the coding strand, the complement: RELN is on the minus strand). VCF-style: chr7-103496624-A-T. GRCh37 (hg19) VCF-style: chr7-103137071-A-T.
Other names: c.9095T>A, p.Val3032Glu (NM_173054.3); short protein forms V3032E.
Identifiers: ClinVar variation 2931301 (VCV002931301.3), dbSNP rs1828849563, ClinGen allele CA368751326.
Genomic context (GRCh38, chr7:103,496,624, plus strand): 5'-TCTGCTCCACCAATCAAAATGTTGTCCAGTGCCCACTGAGCACGCTCCACCCCAGAGACC[A>T]CAATTCCATTGCTGATCACAAAAGGCTGCCACCAGCGAAGTCGAGTTGTGTTGGTGAGGG-3'
Protein context (NP_005036.2, residues 3022-3042): WQPFVISNGI[Val3032Glu]VSGVERAQWA